The following is an entry in ClinVar:

NM_031844.3(HNRNPU):c.2277dup (p.Pro760fs)

Gene: HNRNPU (heterogeneous nuclear ribonucleoprotein U; minus strand). Cytogenetic location: 1q44.
Variant type: Duplication.
Coding change: c.2277dup on transcript NM_031844.3 (MANE Select); coding-DNA position 2277, one base duplicated (T; older notation c.2277dupT).
Protein change: p.Pro760fs; shifts the reading frame from proline 760.
Molecular consequence: frameshift variant.
Genome position (GRCh38, 1-based): chr1:244,855,499, A duplicated on the plus strand (T on the coding strand, the reverse complement: HNRNPU is on the minus strand); the first of 5 consecutive A bases (chr1:244,855,499-244,855,503); duplicating any one gives the same sequence. VCF-style (leftmost placement, unchanged base first): chr1-244855498-G-GA. GRCh37 (hg19) VCF-style: chr1-245018800-G-GA.
Other names: c.2220dup, p.Pro741fs (NM_004501.3); short protein forms P741fs, P760fs.
Identifiers: ClinVar variation 3677014 (VCV003677014.3).

ClinVar aggregate classification (germline): Pathogenic/Likely pathogenic. Review status: criteria provided, multiple submitters, no conflicts (2 of 4 stars). 2 submissions from 2 submitters: Pathogenic (1); Likely pathogenic (1). Last evaluated 2024-06-13.

Conditions:
HNRNPU-related disorders.
Developmental and epileptic encephalopathy, 54. Also called: Epileptic encephalopathy, early infantile, 54; HNRNPU-Related Neurodevelopmental Disorder. Identifiers: MedGen C4479319, MONDO:0033363, OMIM 617391.

Submissions (2):

Labcorp Genetics (formerly Invitae), Labcorp
Classification: Pathogenic for Developmental and epileptic encephalopathy, 54. Last evaluated: 2024-06-13. Review status: criteria provided, single submitter. Criteria: Invitae Variant Classification Sherloc (09022015). Collection method: clinical testing. Allele origin: germline.
Comment: This sequence change creates a premature translational stop signal (p.Pro760Serfs*5) in the HNRNPU gene. It is expected to result in an absent or disrupted protein product. Loss-of-function variants in HNRNPU are known to be pathogenic (PMID: 22678713, 28283832). This variant is not present in population databases (gnomAD no frequency). This premature translational stop signal has been observed in individual(s) with developmental and epileptic encephalopathy (PMID: 34012379). For these reasons, this variant has been classified as Pathogenic.

Blueprint Genetics
Classification: Likely pathogenic for HNRNPU-related disorders. Last evaluated: 2019-10-23. Review status: criteria provided, single submitter. Criteria: ACMG Guidelines, 2015. Collection method: clinical testing. Allele origin: germline. Affected: yes. Observed: 1 variant allele.

Literature cited by the submitters: PubMed 22678713 (cited by Labcorp Genetics (formerly Invitae), Labcorp); PubMed 28283832 (cited by Labcorp Genetics (formerly Invitae), Labcorp); PubMed 34012379 (cited by Labcorp Genetics (formerly Invitae), Labcorp).